The following is an entry in ClinVar:

NM_004700.4(KCNQ4):c.1725del (p.Ile576fs)

Gene: KCNQ4 (potassium voltage-gated channel subfamily Q member 4; plus strand). Cytogenetic location: 1p34.2.
Variant type: Deletion.
Coding change: c.1725del on transcript NM_004700.4 (MANE Select); coding-DNA position 1725, one base deleted (G; older notation c.1725delG).
Protein change: p.Ile576fs; shifts the reading frame from isoleucine 576.
Molecular consequence: frameshift variant.
Genome position (GRCh38, 1-based): chr1:40,835,078, G deleted; the last of 2 consecutive G bases (chr1:40,835,077-40,835,078); deleting either gives the same sequence. VCF-style (leftmost placement, unchanged base first): chr1-40835076-CG-C. GRCh37 (hg19) VCF-style: chr1-41300748-CG-C.
Other names: c.1563del, p.Ile522fs (NM_172163.3); short protein forms I522fs, I576fs.
Identifiers: ClinVar variation 2634455 (VCV002634455.2), dbSNP rs1443818222, ClinGen allele CA522437520.
Genomic context (GRCh38, chr1:40,835,076, plus strand): 5'-CCGTACGACGTGAAGGACGTCATTGAGCAGTACTCAGCAGGCCACCTGGACATGCTGGGC[CG>C]GATCAAGAGCCTGCAAACTCGGTGGGTGCACCGGGCCTGTTGGGAGGCAGGGGCAGGGAG-3'

ClinVar aggregate classification (germline): Uncertain significance. Review status: criteria provided, multiple submitters, no conflicts (2 of 4 stars). 2 submissions from 2 submitters: Uncertain significance (2). Last evaluated 2024-05-02.

Conditions:
KCNQ4-related disorder. Also called: KCNQ4-related condition.

Submissions (2):

Blueprint Genetics
Classification: Uncertain significance. Last evaluated: 2024-05-02. Review status: criteria provided, single submitter. Criteria: ACMG Guidelines, 2015. Collection method: clinical testing. Allele origin: germline.

PreventionGenetics, part of Exact Sciences
Classification: Uncertain significance for KCNQ4-related condition. Last evaluated: 2023-04-03. Review status: criteria provided, single submitter. Criteria: ACMG Guidelines, 2015. Collection method: clinical testing. Allele origin: germline.
Comment: The KCNQ4 c.1725delG variant is predicted to result in a frameshift and premature protein termination (p.Ile576Serfs*40). This variant was reported in an individual with hearing loss (Table S1, Johnston et al. 2015. PubMed ID: 26046366). This variant is reported in 0.0023% of alleles in individuals of European (Non-Finnish) descent in gnomAD. Although we suspect that this variant may be pathogenic, at this time, the clinical significance of this variant is uncertain due to the absence of conclusive functional and genetic evidence.